The following is an entry in ClinVar:

NM_003184.4(TAF2):c.2768+1G>T

Gene: TAF2 (TATA-box binding protein associated factor 2; minus strand). Cytogenetic location: 8q24.12.
Variant type: single nucleotide variant.
Coding change: c.2768+1G>T on transcript NM_003184.4 (MANE Select); the canonical splice donor site of the intron after coding-DNA position 2768, G replaced by T.
Molecular consequence: splice donor variant.
Genome position (GRCh38, 1-based): chr8:119,758,072, C>A on the plus strand (G>T on the coding strand, the complement: TAF2 is on the minus strand). VCF-style: chr8-119758072-C-A. GRCh37 (hg19) VCF-style: chr8-120770312-C-A.
Other names: c.2657+1G>T (NM_001437339.1, NM_001438084.1); c.2768+1G>T (NM_001437338.1).
Identifiers: ClinVar variation 4532089 (VCV004532089.1).
Genomic context (GRCh38, chr8:119,758,072, plus strand): 5'-AAATTACTCAGTTCACTATAGGACTTACAAAATATCATAGCATCATAGCACATAAACTAA[C>A]CTTACATAGGGTACAGGGTCATTCTGAATCATATTAAGTAGCCATTGCAGTTCTTCATAA-3'

ClinVar aggregate classification (germline): Likely pathogenic (1 of 4 stars; one submission).

Conditions:
Microcephaly-thin corpus callosum-intellectual disability syndrome (NEDFCF). Also called: NEURODEVELOPMENTAL DISORDER WITH FEEDING DIFFICULTIES, THIN CORPUS CALLOSUM, AND FOOT DEFORMITY; Intellectual developmental disorder, autosomal recessive 40. Identifiers: Orphanet 397951, MedGen C3810080, MONDO:0014273, OMIM 615599.

Submission:

Victorian Clinical Genetics Services, Murdoch Childrens Research Institute
Classification: Likely pathogenic for Microcephaly-thin corpus callosum-intellectual disability syndrome. Last evaluated: 2025-09-11. Review status: criteria provided, single submitter. Criteria: ACMG Guidelines, 2015. Collection method: clinical testing. Allele origin: germline. Affected: yes.
Comment: This variant is classified as Likely pathogenic. Evidence in support of pathogenic classification: Canonical splice site variant without proven consequence on splicing (no functional evidence available); Variant is absent from gnomAD (v2, v3 and v4); Abnormal splicing is predicted by in silico tool and affected nucleotide is highly conserved. Additional information: This variant is heterozygous; This gene is associated with autosomal recessive disease; Alternative nucleotide change(s) at the same canonical splice site are present in gnomAD (highest allele count: v4: 1 heterozygote(s), 0 homozygote(s)); This variant has no previous evidence of pathogenicity; No published evidence of segregation with disease has been identified for this variant; No published functional evidence has been identified for this variant; No comparable missense variants have previous evidence for pathogenicity; The mechanism of disease for this gene is not clearly established.